The following is an entry in ClinVar:

NM_001080508.3(TBX18):c.256G>T (p.Ala86Ser)

Gene: TBX18 (T-box transcription factor 18; minus strand). Cytogenetic location: 6q14.3.
Variant type: single nucleotide variant.
Coding change: c.256G>T on transcript NM_001080508.3 (MANE Select); coding-DNA position 256, G replaced by T.
Protein change: p.Ala86Ser; replaces alanine 86 with serine.
Molecular consequence: missense variant.
Genome position (GRCh38, 1-based): chr6:84,763,926, C>A on the plus strand (G>T on the coding strand, the complement: TBX18 is on the minus strand). VCF-style: chr6-84763926-C-A. GRCh37 (hg19) VCF-style: chr6-85473644-C-A.
Other names: short protein forms A86S.
Identifiers: ClinVar variation 3906347 (VCV003906347.1).
Genomic context (GRCh38, chr6:84,763,926, plus strand): 5'-ATAGGCAGGAAGGGGCCCACTCACCCGCGGCTCCGCGCTCCAGGTCTGCGCCACTCCGAG[C>A]CGGCCCAGACGTCGCCCCAGCCGGCGGCGGGAGCGCAGCGCCTTCGTCTCCCTCAGAAGA-3'
Protein context (NP_001073977.1, residues 76-96): PPPAGATSGP[Ala86Ser]RSGADLERGA

ClinVar aggregate classification (germline): Uncertain significance (1 of 4 stars; one submission).

gnomAD v4.1: 4 of 1,571,172 alleles (0.00025%); highest among the groups gnomAD compares: Non-Finnish European, 0.00026%; no homozygotes.

Submission:

GeneDx
Classification: Uncertain significance. Last evaluated: 2024-12-19. Review status: criteria provided, single submitter. Criteria: GeneDx Variant Classification Process June 2021. Collection method: clinical testing. Allele origin: germline. Affected: yes.
Comment: Not observed at significant frequency in large population cohorts (gnomAD); In silico analysis indicates that this missense variant does not alter protein structure/function; Has not been previously published as pathogenic or benign to our knowledge